The following is an entry in ClinVar:

ClinVar aggregate classification (germline): Uncertain significance (1 of 4 stars; one submission).

gnomAD v4.1: 6 of 1,411,022 alleles (0.00043%); highest among the groups gnomAD compares: Non-Finnish European, 0.00055%; no homozygotes.

Submission:

GeneDx
Classification: Uncertain significance. Last evaluated: 2025-06-12. Review status: criteria provided, single submitter. Criteria: GeneDx Variant Classification Process June 2021. Collection method: clinical testing. Allele origin: germline. Affected: yes.
Comment: In silico analysis suggests that this missense variant does not alter protein structure/function; Has not been previously published as pathogenic or benign to our knowledge

NM_001394372.1(BICRA):c.1885C>T (p.Pro629Ser)

Gene: BICRA (BRD4 interacting chromatin remodeling complex associated protein; plus strand). Cytogenetic location: 19q13.33.
Variant type: single nucleotide variant.
Coding change: c.1885C>T on transcript NM_001394372.1 (MANE Select); coding-DNA position 1885, C replaced by T.
Protein change: p.Pro629Ser; replaces proline 629 with serine.
Molecular consequence: missense variant.
Genome position (GRCh38, 1-based): chr19:47,681,055, C>T. VCF-style: chr19-47681055-C-T. GRCh37 (hg19) VCF-style: chr19-48184312-C-T.
Other names: c.1885C>T, p.Pro629Ser (NM_015711.3); short protein forms P629S.
Identifiers: ClinVar variation 4537574 (VCV004537574.1).